The following is an entry in ClinVar:

NM_024675.4(PALB2):c.1417C>G (p.Pro473Ala)

Gene: PALB2 (partner and localizer of BRCA2; minus strand). Cytogenetic location: 16p12.2.
Variant type: single nucleotide variant.
Coding change: c.1417C>G on transcript NM_024675.4 (MANE Select); coding-DNA position 1417, C replaced by G.
Protein change: p.Pro473Ala; replaces proline 473 with alanine.
Molecular consequence: missense variant. On other transcripts: intron variant (3).
Genome position (GRCh38, 1-based): chr16:23,635,129, G>C on the plus strand (C>G on the coding strand, the complement: PALB2 is on the minus strand). VCF-style: chr16-23635129-G-C. GRCh37 (hg19) VCF-style: chr16-23646450-G-C.
Other names: c.1357C>G, p.Pro453Ala (NM_001407296.1); c.1417C>G, p.Pro473Ala (NM_001407297.1, NM_001407298.1, NM_001407299.1 and 3 more transcripts); c.532C>G, p.Pro178Ala (NM_001407304.1, NM_001407305.1, NM_001407306.1 and 5 more transcripts); c.49-5854C>G (NM_001407314.1); c.-104-4660C>G (NM_001407313.1, NM_001407312.1); short protein forms P473A, P178A, P453A.
Identifiers: ClinVar variation 2453288 (VCV002453288.5), dbSNP rs1966970348, ClinGen allele CA395131314.
Genomic context (GRCh38, chr16:23,635,129, plus strand): 5'-GCCCAGCGGGAGAGCTGACTTTAGTTAATGAGAGAAGTTTCTGAGAGGTTCTTGAACTTG[G>C]TTGTCCTGTGCATGTGCCAGACATCCTAATTTCACTTTGGTCAGTTTCCTCATTGGAAAG-3'
Protein context (NP_078951.2, residues 463-483): IRMSGTCTGQ[Pro473Ala]SSRTSQKLLS

ClinVar aggregate classification (germline): Uncertain significance. Review status: criteria provided, multiple submitters, no conflicts (2 of 4 stars). 2 submissions from 2 submitters: Uncertain significance (2). Last evaluated 2023-04-28.

Conditions:
Hereditary cancer-predisposing syndrome. Also called: Neoplastic Syndromes, Hereditary; Tumor predisposition; Hereditary neoplastic syndrome; Hereditary Cancer Syndrome. Identifiers: Orphanet 140162, MedGen C0027672, MeSH D009386, MONDO:0015356.
Familial cancer of breast. Also called: BREAST CANCER, FAMILIAL; Hereditary breast cancer; hereditary breast carcinoma. Identifiers: Orphanet 227535, MedGen C0346153, MONDO:0016419, OMIM 114480. Disease mechanism: loss of function.

Submissions (2):

Labcorp Genetics (formerly Invitae), Labcorp
Classification: Uncertain significance for Familial cancer of breast. Last evaluated: 2023-04-28. Review status: criteria provided, single submitter. Criteria: Invitae Variant Classification Sherloc (09022015). Collection method: clinical testing. Allele origin: germline.
Comment: This variant is not present in population databases (gnomAD no frequency). This sequence change replaces proline, which is neutral and non-polar, with alanine, which is neutral and non-polar, at codon 473 of the PALB2 protein (p.Pro473Ala). This variant has not been reported in the literature in individuals affected with PALB2-related conditions. In summary, the available evidence is currently insufficient to determine the role of this variant in disease. Therefore, it has been classified as a Variant of Uncertain Significance. Advanced modeling of protein sequence and biophysical properties (such as structural, functional, and spatial information, amino acid conservation, physicochemical variation, residue mobility, and thermodynamic stability) performed at Invitae indicates that this missense variant is not expected to disrupt PALB2 protein function.

Ambry Genetics
Classification: Uncertain significance for Hereditary cancer-predisposing syndrome. Last evaluated: 2022-11-26. Review status: criteria provided, single submitter. Criteria: Ambry Variant Classification Scheme 2023. Collection method: clinical testing. Allele origin: germline.
Comment: The p.P473A variant (also known as c.1417C>G), located in coding exon 4 of the PALB2 gene, results from a C to G substitution at nucleotide position 1417. The proline at codon 473 is replaced by alanine, an amino acid with highly similar properties. This amino acid position is conserved. In addition, this alteration is predicted to be tolerated by in silico analysis. Since supporting evidence is limited at this time, the clinical significance of this alteration remains unclear.